The following is an entry in ClinVar:

NM_206933.4(USH2A):c.6806-2A>C

Gene: USH2A (usherin; minus strand). Cytogenetic location: 1q41.
Variant type: single nucleotide variant.
Coding change: c.6806-2A>C on transcript NM_206933.4 (MANE Select); the canonical splice acceptor site of the intron before coding-DNA position 6806, A replaced by C.
Molecular consequence: splice acceptor variant.
Genome position (GRCh38, 1-based): chr1:215,970,778, T>G on the plus strand (A>C on the coding strand, the complement: USH2A is on the minus strand). VCF-style: chr1-215970778-T-G. GRCh37 (hg19) VCF-style: chr1-216144120-T-G.
Other names: c.6806-2A>C (NM_206933.2).
Identifiers: ClinVar variation 3028711 (VCV003028711.2), dbSNP rs765217736, ClinGen allele CA344854880.

ClinVar aggregate classification (germline): Conflicting classifications of pathogenicity. Review status: criteria provided, conflicting classifications (1 of 4 stars). 2 submissions from 2 submitters: Pathogenic (1); Uncertain significance (1). Last evaluated 2025-12-18.

Conditions:
Retinal dystrophy. Also called: Inherited retinal dystrophy. Identifiers: Orphanet 71862, MedGen C0854723, MeSH D058499, MONDO:0019118, HP:0000556.
Usher syndrome type 2A. Also called: RETINAL DISEASE IN USHER SYNDROME TYPE IIA, MODIFIER OF; USHER SYNDROME, TYPE IIA. Identifiers: Orphanet 231178, Orphanet 886, MedGen C1848634, MONDO:0010169, OMIM 276901.

Submissions (2):

Natera, Inc.
Classification: Pathogenic for Usher syndrome type 2A. Last evaluated: 2025-12-18. Review status: criteria provided, single submitter. Criteria: Natera Variant Classification Schema (03/2026). Collection method: clinical testing. Allele origin: germline.
Comment: The c.6806-2A>C variant in USH2A is a canonical splice acceptor site variant predicted to affect pre-mRNA splicing, which may result in an abnormal transcript and altered protein product. This variant is expected to result in nonsense mediated decay, truncation, or a dysfunctional protein product. This variant is rare in the general population with a frequency below the threshold expected for the associated phenotype(s). This variant has been observed in one or more individuals affected with the associated recessive disease, as either homozygous or compound heterozygous with a second variant (PMID: 34824372). Given the available evidence, this variant is classified as Pathogenic.

Dept Of Ophthalmology, Nagoya University
Classification: Uncertain significance for Retinal dystrophy. Last evaluated: 2023-10-01. Review status: criteria provided, single submitter. Criteria: Submitter's publication. Collection method: research. Allele origin: germline. Affected: yes.

Literature cited by the submitters: PubMed 34824372 (cited by Natera, Inc.).